The following is an entry in ClinVar:

NM_002890.3(RASA1):c.218G>A (p.Gly73Glu)

Gene: RASA1 (RAS p21 protein activator 1; plus strand). Cytogenetic location: 5q14.3.
Variant type: single nucleotide variant.
Coding change: c.218G>A on transcript NM_002890.3 (MANE Select); coding-DNA position 218, G replaced by A.
Protein change: p.Gly73Glu; replaces glycine 73 with glutamic acid.
Molecular consequence: missense variant.
Genome position (GRCh38, 1-based): chr5:87,268,669, G>A. VCF-style: chr5-87268669-G-A. GRCh37 (hg19) VCF-style: chr5-86564486-G-A.
Other names: short protein forms G73E.
Identifiers: ClinVar variation 4862979 (VCV004862979.1).

ClinVar aggregate classification (germline): Uncertain significance (1 of 4 stars; one submission).

Conditions:
Cardiovascular phenotype. Identifiers: MedGen CN230736.

gnomAD v4.1: 1 of 1,611,286 alleles (0.000062%); highest among the groups gnomAD compares: Non-Finnish European, 0.000085%; no homozygotes.

Submission:

Ambry Genetics
Classification: Uncertain significance for Cardiovascular phenotype. Last evaluated: 2026-05-28. Review status: criteria provided, single submitter. Criteria: Ambry Variant Classification Scheme 2023. Collection method: clinical testing. Allele origin: germline.
Comment: The p.G73E variant (also known as c.218G>A), located in coding exon 1 of the RASA1 gene, results from a G to A substitution at nucleotide position 218. The glycine at codon 73 is replaced by glutamic acid, an amino acid with similar properties. This amino acid position is conserved. In addition, this alteration is predicted to be tolerated by in silico analysis. Based on the available evidence, the clinical significance of this variant remains unclear.